The following is an entry in ClinVar:

NM_002185.5(IL7R):c.1051T>C (p.Ser351Pro)

Gene: IL7R (interleukin 7 receptor; plus strand). Cytogenetic location: 5p13.2.
Variant type: single nucleotide variant.
Coding change: c.1051T>C on transcript NM_002185.5 (MANE Select); coding-DNA position 1051, T replaced by C.
Protein change: p.Ser351Pro; replaces serine 351 with proline.
Molecular consequence: missense variant. On other transcripts: non-coding transcript variant (1).
Genome position (GRCh38, 1-based): chr5:35,876,157, T>C. VCF-style: chr5-35876157-T-C. GRCh37 (hg19) VCF-style: chr5-35876259-T-C.
Other names: short protein forms S351P.
Identifiers: ClinVar variation 1041905 (VCV001041905.9), dbSNP rs1760204380, ClinGen allele CA359432667.

ClinVar aggregate classification (germline): Uncertain significance (1 of 4 stars; one submission).

Conditions:
Immunodeficiency 104. Also called: SCID, AUTOSOMAL RECESSIVE, T CELL-NEGATIVE, B CELL-POSITIVE, NK CELL-POSITIVE; Severe Combined Immune Deficiency, Autosomal Recessive, TCell -Negative, B Cell-Positive, NK Cell-Positive, IL7R-Related; Severe combined immunodeficiency, autosomal recessive, T cell-negative, B cell-positive, NK cell-positive; IMMUNODEFICIENCY 104, SEVERE COMBINED. Identifiers: MedGen C5676890, MONDO:0012163, OMIM 608971.

Submission:

Labcorp Genetics (formerly Invitae), Labcorp
Classification: Uncertain significance for Immunodeficiency 104. Last evaluated: 2020-05-26. Review status: criteria provided, single submitter. Criteria: Invitae Variant Classification Sherloc (09022015). Collection method: clinical testing. Allele origin: germline.
Comment: In summary, the available evidence is currently insufficient to determine the role of this variant in disease. Therefore, it has been classified as a Variant of Uncertain Significance. This sequence change replaces serine with proline at codon 351 of the IL7R protein (p.Ser351Pro). The serine residue is moderately conserved and there is a moderate physicochemical difference between serine and proline. This variant is not present in population databases (ExAC no frequency). This variant has not been reported in the literature in individuals with IL7R-related conditions. Algorithms developed to predict the effect of missense changes on protein structure and function output the following: SIFT: "Tolerated"; PolyPhen-2: "Benign"; Align-GVGD: "Class C0". The proline amino acid residue is found in multiple mammalian species, suggesting that this missense change does not adversely affect protein function. These predictions have not been confirmed by published functional studies and their clinical significance is uncertain.